The following is an entry in ClinVar:

ClinVar aggregate classification (germline): Likely benign. Review status: criteria provided, multiple submitters, no conflicts (2 of 4 stars). 2 submissions from 2 submitters: Likely benign (2). Last evaluated 2025-05-15.

Conditions:
Tuberous sclerosis 2 (TSC2). Identifiers: Orphanet 805, MedGen C1860707, MONDO:0013199, OMIM 613254.

Allele frequency attached by ClinVar (database versions not stated): gnomAD exomes 0.00001; ExAC 0.00002.
gnomAD v4.1: 2 of 1,613,554 alleles (0.00012%); highest among the groups gnomAD compares: Admixed American, 0.0017%; no homozygotes.

Submissions (2):

Myriad Genetics, Inc.
Classification: Likely benign for Tuberous sclerosis 2. Last evaluated: 2025-05-15. Review status: criteria provided, single submitter. Criteria: Myriad Autosomal Dominant, Autosomal Recessive and X-Linked Classification Criteria (2023). Collection method: clinical testing. Allele origin: unknown.
Comment: This variant is considered likely benign. This variant is intronic and is not expected to impact mRNA splicing.

Labcorp Genetics (formerly Invitae), Labcorp
Classification: Likely benign for Tuberous sclerosis 2. Last evaluated: 2023-07-16. Review status: criteria provided, single submitter. Criteria: Invitae Variant Classification Sherloc (09022015). Collection method: clinical testing. Allele origin: germline.

NM_000548.5(TSC2):c.1840-8C>T

Gene: TSC2 (TSC complex subunit 2; plus strand). Cytogenetic location: 16p13.3.
Variant type: single nucleotide variant.
Coding change: c.1840-8C>T on transcript NM_000548.5 (MANE Select); 8 bases into the intron before coding-DNA position 1840, C replaced by T.
Molecular consequence: intron variant.
Genome position (GRCh38, 1-based): chr16:2,071,502, C>T. VCF-style: chr16-2071502-C-T. GRCh37 (hg19) VCF-style: chr16-2121503-C-T.
Other names: c.1840-8C>T (NM_001114382.3, NM_021055.3, NM_001370405.1 and 3 more transcripts); c.1729-8C>T (NM_001318827.2); c.1240-8C>T (NM_001318831.2); c.1693-8C>T (NM_001318829.2); c.1873-8C>T (NM_001318832.2).
Identifiers: ClinVar variation 536095 (VCV000536095.12), dbSNP rs778905320, ClinGen allele CA034222.